The following is an entry in ClinVar:

NM_000179.3(MSH6):c.2194C>A (p.Arg732=)

Gene: MSH6 (mutS homolog 6; plus strand). Cytogenetic location: 2p16.3.
Variant type: single nucleotide variant.
Coding change: c.2194C>A on transcript NM_000179.3 (MANE Select); coding-DNA position 2194, C replaced by A.
Protein change: p.Arg732=; no amino-acid change (arginine 732 retained).
Molecular consequence: synonymous variant.
Genome position (GRCh38, 1-based): chr2:47,800,177, C>A. VCF-style: chr2-47800177-C-A. GRCh37 (hg19) VCF-style: chr2-48027316-C-A.
Other names: c.1804C>A, p.Arg602= (NM_001281492.2); c.1288C>A, p.Arg430= (NM_001281493.2, NM_001281494.2).
Identifiers: ClinVar variation 216305 (VCV000216305.20), dbSNP rs63751127, ClinGen allele CA068593.

ClinVar aggregate classification (germline): Benign/Likely benign. Review status: criteria provided, multiple submitters, no conflicts (2 of 4 stars). 7 submissions from 7 submitters: Benign (1); Likely benign (5). 1 of the submissions does not count toward it. Last evaluated 2024-04-16.

Conditions:
Hereditary nonpolyposis colorectal neoplasms. Identifiers: MedGen C0009405, MeSH D003123.
Hereditary cancer-predisposing syndrome. Also called: Hereditary Cancer Syndrome; Hereditary neoplastic syndrome; Neoplastic Syndromes, Hereditary; Tumor predisposition. Identifiers: Orphanet 140162, MedGen C0027672, MeSH D009386, MONDO:0015356.
Lynch syndrome. Identifiers: Orphanet 144, MedGen C4552100, MONDO:0005835. Disease mechanism: loss of function.
Lynch syndrome 5 (LYNCH5). Also called: Hereditary non-polyposis colorectal cancer, type 5; Colorectal cancer, hereditary nonpolyposis, type 5. Identifiers: Orphanet 144, MedGen C1833477, MONDO:0013710, OMIM 614350. Disease mechanism: loss of function.

Allele frequency attached by ClinVar (database versions not stated): ExAC 0.00001.
gnomAD v4.1: 2 of 1,614,130 alleles (0.00012%); highest among the groups gnomAD compares: Non-Finnish European, 0.00017%; no homozygotes.

Submissions (7):

Labcorp Genetics (formerly Invitae), Labcorp
Classification: Likely benign for Hereditary nonpolyposis colorectal neoplasms. Last evaluated: 2024-04-16. Review status: criteria provided, single submitter. Criteria: Invitae Variant Classification Sherloc (09022015). Collection method: clinical testing. Allele origin: germline.

All of Us Research Program, National Institutes of Health
Classification: Likely benign for Lynch syndrome. Last evaluated: 2023-11-20. Review status: criteria provided, single submitter. Criteria: ACMG Guidelines, 2015. Collection method: clinical testing. Allele origin: germline. Inheritance: Autosomal dominant inheritance. Observed: 3 variant alleles, 3 heterozygotes.
Comment: This study involves interpretation of variants in research participants for the purpose of population health screening. Participant phenotype was not available at the time of variant classification. Additional details can be found in publication PMID: 35346344, PMCID: PMC8962531

Myriad Genetics, Inc.
Classification: Benign for Lynch syndrome 5. Last evaluated: 2023-03-28. Review status: criteria provided, single submitter. Criteria: Myriad Autosomal Dominant, Autosomal Recessive and X-Linked Classification Criteria (2023). Collection method: clinical testing. Allele origin: unknown.
Comment: This variant is considered benign. This variant is a silent/synonymous amino acid change and it is not expected to impact splicing.

Color Diagnostics, LLC DBA Color Health
Classification: Likely benign for Hereditary cancer-predisposing syndrome. Last evaluated: 2022-01-24. Review status: criteria provided, single submitter. Criteria: ACMG Guidelines, 2015. Collection method: clinical testing. Allele origin: germline.

GeneDx
Classification: Likely benign. Last evaluated: 2017-07-17. Review status: criteria provided, single submitter. Criteria: GeneDx Variant Classification (06012015). Collection method: clinical testing. Allele origin: germline. Affected: yes.
Comment: This variant is considered likely benign or benign based on one or more of the following criteria: it is a conservative change, it occurs at a poorly conserved position in the protein, it is predicted to be benign by multiple in silico algorithms, and/or has population frequency not consistent with disease.

Ambry Genetics
Classification: Likely benign for Hereditary cancer-predisposing syndrome. Last evaluated: 2016-07-11. Review status: criteria provided, single submitter. Criteria: Ambry Variant Classification Scheme 2023. Collection method: clinical testing. Allele origin: germline.

Counsyl
Classification: Likely benign for Lynch syndrome 5. Last evaluated: 2016-05-03. Review status: no assertion criteria provided. Collection method: clinical testing. Allele origin: unknown. Not counted in ClinVar's aggregate classification.